The following is an entry in ClinVar:

NM_005816.5(CD96):c.898G>A (p.Gly300Arg)

Gene: CD96 (CD96 molecule; plus strand). Cytogenetic location: 3q13.13.
Variant type: single nucleotide variant.
Coding change: c.898G>A on transcript NM_005816.5 (MANE Select); coding-DNA position 898, G replaced by A.
Protein change: p.Gly300Arg; replaces glycine 300 with arginine.
Molecular consequence: missense variant. On other transcripts: non-coding transcript variant (1).
Genome position (GRCh38, 1-based): chr3:111,598,210, G>A. VCF-style: chr3-111598210-G-A. GRCh37 (hg19) VCF-style: chr3-111317057-G-A.
Other names: c.898G>A, p.Gly300Arg (NM_001318889.2, NM_001410800.1); c.946G>A, p.Gly316Arg (NM_198196.3); short protein forms G300R, G316R.
Identifiers: ClinVar variation 1964417 (VCV001964417.5), dbSNP rs772185277, ClinGen allele CA2534545.
Genomic context (GRCh38, chr3:111,598,210, plus strand): 5'-TTTCCCAAAGCAAATATCACATGGTTTATAGATGGAAGTTTTCTTCATGATGAAAAAGAA[G>A]GTAAGGAAACTAATCAATGGAAATAAGTTCGGTACAAAAAGAAAGAAAACAAAGAACATT-3'
Protein context (NP_005807.1, residues 290-310): DGSFLHDEKE[Gly300Arg]IYITNEERKG

ClinVar aggregate classification (germline): Uncertain significance (1 of 4 stars; one submission).

Allele frequency attached by ClinVar (database versions not stated): ExAC 0.00001.
gnomAD v4.1: 5 of 1,274,546 alleles (0.00039%); highest among the groups gnomAD compares: Non-Finnish European, 0.00057%; no homozygotes.

Submission:

Labcorp Genetics (formerly Invitae), Labcorp
Classification: Uncertain significance. Last evaluated: 2022-10-13. Review status: criteria provided, single submitter. Criteria: Invitae Variant Classification Sherloc (09022015). Collection method: clinical testing. Allele origin: germline.
Comment: In summary, the available evidence is currently insufficient to determine the role of this variant in disease. Therefore, it has been classified as a Variant of Uncertain Significance. Variants that disrupt the consensus splice site are a relatively common cause of aberrant splicing (PMID: 17576681, 9536098). Algorithms developed to predict the effect of sequence changes on RNA splicing suggest that this variant may disrupt the consensus splice site. Algorithms developed to predict the effect of missense changes on protein structure and function are either unavailable or do not agree on the potential impact of this missense change (SIFT: "Tolerated"; PolyPhen-2: "Possibly Damaging"; Align-GVGD: "Class C0"). This variant has not been reported in the literature in individuals affected with CD96-related conditions. This variant is present in population databases (rs772185277, gnomAD 0.0009%). This sequence change replaces glycine, which is neutral and non-polar, with arginine, which is basic and polar, at codon 316 of the CD96 protein (p.Gly316Arg). This variant also falls at the last nucleotide of exon 7, which is part of the consensus splice site for this exon.

Literature cited by the submitters: PubMed 17576681; PubMed 9536098.